The following is an entry in ClinVar:

ClinVar aggregate classification (germline): Uncertain significance (1 of 4 stars; one submission).

Submission:

Labcorp Genetics (formerly Invitae), Labcorp
Classification: Uncertain significance. Last evaluated: 2022-09-02. Review status: criteria provided, single submitter. Criteria: Invitae Variant Classification Sherloc (09022015). Collection method: clinical testing. Allele origin: germline.
Comment: This sequence change replaces aspartic acid, which is acidic and polar, with tyrosine, which is neutral and polar, at codon 4801 of the PCLO protein (p.Asp4801Tyr). This variant is not present in population databases (gnomAD no frequency). This variant has not been reported in the literature in individuals affected with PCLO-related conditions. Algorithms developed to predict the effect of missense changes on protein structure and function are either unavailable or do not agree on the potential impact of this missense change (SIFT: "Deleterious"; PolyPhen-2: "Not Available"; Align-GVGD: "Class C0"). In summary, the available evidence is currently insufficient to determine the role of this variant in disease. Therefore, it has been classified as a Variant of Uncertain Significance.

NM_033026.6(PCLO):c.14401G>T (p.Asp4801Tyr)

Gene: PCLO (piccolo presynaptic cytomatrix protein; minus strand). Cytogenetic location: 7q21.11.
Variant type: single nucleotide variant.
Coding change: c.14401G>T on transcript NM_033026.6 (MANE Select); coding-DNA position 14401, G replaced by T.
Protein change: p.Asp4801Tyr; replaces aspartic acid 4801 with tyrosine.
Molecular consequence: missense variant.
Genome position (GRCh38, 1-based): chr7:82,826,603, C>A on the plus strand (G>T on the coding strand, the complement: PCLO is on the minus strand). VCF-style: chr7-82826603-C-A. GRCh37 (hg19) VCF-style: chr7-82455919-C-A.
Other names: c.14401G>T, p.Asp4801Tyr (NM_014510.3); short protein forms D4801Y.
Identifiers: ClinVar variation 1714002 (VCV001714002.5), dbSNP rs1178113351, ClinGen allele CA368020621.